The following is an entry in ClinVar:

ClinVar aggregate classification (germline): Conflicting classifications of pathogenicity. Review status: criteria provided, conflicting classifications (1 of 4 stars). 17 submissions from 17 submitters: Pathogenic (2); Likely pathogenic (13); Uncertain significance (1); Benign (1). Last evaluated 2026-10-22.

Conditions:
Fetal anomalies with a likely genetic cause.
RBM8A-related disorder. Also called: RBM8A-related condition.
Inborn genetic diseases. Identifiers: MedGen C0950123, MeSH D030342.
Radial aplasia-thrombocytopenia syndrome (TAR). Also called: TAR syndrome; Thrombocytopenia Absent Radius Syndrome. Identifiers: Orphanet 3320, MedGen C0175703, MeSH C536940, MONDO:0010121, OMIM 274000.

Allele frequency attached by ClinVar (database versions not stated): gnomAD 0.04232 and 0.04454; TOPMed 0.04480; 1000 Genomes Project 0.04992; ESP Exome Variant Server 0.05031; 1000 Genomes Project 30x 0.05106.
gnomAD v4.1: 15,133 of 1,612,672 alleles (0.94%); highest among the groups gnomAD compares: African/African-American, 14%; 856 homozygotes.

Submissions 1 to 9 of 17:

GeneDx
Classification: Likely pathogenic. Last evaluated: 2026-10-22. Review status: criteria provided, single submitter. Criteria: GeneDx Variant Classification Process June 2021. Collection method: clinical testing. Allele origin: germline.
Comment: Hypomorphic allele that is only associated with disease when in trans with a null RBM8A allele, most frequently the 1q21.1 deletion (PMID: 32227665); Published functional studies suggest reduced expression consistent with a hypomorphic allele (PMID: 32227665); Located in a regulatory region; Nucleotide is not conserved across species and the substitution has no predicted effect on splicing; This variant is associated with the following publications: (PMID: 32552793, 33559987, 33718801, Poulos2023[posterabstract], 32227665, 37644014, 41454640, 34341987, 42420238)

St. Jude Molecular Pathology, St. Jude Children's Research Hospital
Classification: Likely pathogenic for Radial aplasia-thrombocytopenia syndrome. Last evaluated: 2026-10-01. Review status: criteria provided, single submitter. Criteria: St. Jude Assertion Criteria 2020. Collection method: clinical testing. Allele origin: germline.
Comment: The RBM8A c.* 6C>G change is a single nucleotide substitution in the 3' untranslated region (UTR) of the gene. This variant has a maximum subpopulation frequency of 14.83% in gnomAD v2.1.1 including 313 homozygotes. This variant has been reported in the compound heterozygous state in individuals with features consistent with thrombocytopenia-absent radius (TAR) syndrome (PMID: 32227665, 33559987, 34341987, 33718801). To our knowledge, individuals that are homozygous for this variant have not had clinical features suggestive of TAR syndrome. An in vitro luciferase reporter assay demonstrated reduced expression of the RBM8A c.*6C>G construct compared to the wild-type (PMID: 32227665). In summary, this variant may predispose to TAR syndrome when detected in trans with a pathogenic variant (compound heterozygous), but not when detected in the homozygous state.

PreventionGenetics, part of Exact Sciences
Classification: Likely pathogenic for RBM8A-related condition. Last evaluated: 2026-08-06. Review status: criteria provided, single submitter. Criteria: ACMG Guidelines, 2015. Collection method: clinical testing. Allele origin: germline.
Comment: The RBM8A c.*6C>G variant is located in the 3' untranslated region. While the c.*6C>G variant is found at a high frequency (up to ~15% in gnomAD), it appears to also be found regularly in patients with thrombocytopenia with absent radius (TAR) who harbor a 1q21.1 deletion, and functional data suggest it is a hypomorphic allele, similar to the well-established hypomorphic alleles c.-21G>A and c.67+32G>C found frequently in TAR patients (Boussion et al. 2020. PubMed ID: 32227665). This variant is interpreted as likely pathogenic. However, the c.*6C>G variant in the homozygous state is less likely to contribute to disease.

CeGaT Center for Human Genetics Tuebingen
Classification: Benign. Last evaluated: 2026-08-01. Review status: criteria provided, single submitter. Criteria: CeGaT Center For Human Genetics Tuebingen Variant Classification Criteria Version 2. Collection method: clinical testing. Allele origin: germline. Affected: yes. Observed: 9 variant alleles.
Comment: RBM8A: BS1, BS2

Genetics Laboratory, Great Ormond Street Hospital NHS Foundation Trust, North Thames Genomic Laboratory Hub
Classification: Likely pathogenic for Fetal anomalies with a likely genetic cause. Last evaluated: 2026-05-12. Review status: criteria provided, single submitter. Criteria: ACGS Best Practice Guidelines for Variant Classification in Rare Disease 2024 v1.2. Collection method: clinical testing. Allele origin: germline. Affected: yes.
Comment: PS4_moderate, BS1_strong, PS3_supporting

Ambry Genetics
Classification: Likely pathogenic for Inborn genetic diseases. Last evaluated: 2025-12-02. Review status: criteria provided, single submitter. Criteria: Ambry Variant Classification Scheme 2023. Collection method: clinical testing. Allele origin: germline.
Comment: The c.*6C>G alteration is located in the 3' untranslated region (3'UTR) of the RBM8A gene. This alteration consists of a C to G substitution 6 nucleotides after the termination codon of the RBM8A gene. Based on the available evidence, the RBM8A c.*6C>G alteration is hypomorphic and is classified as likely pathogenic when occurring in trans with a loss of function variant. Based on data from gnomAD, the G allele has an overall frequency of 1.743% (4901/281266) of total alleles studied, including 313 homozygotes. The highest observed frequency was 14.832% (3667/24724) of African alleles. This variant has been identified in conjunction with other RBM8A variant(s) in individual(s) with features consistent with thrombocytopenia-absent radius syndrome; in at least one instance, the variants were identified in trans (Boussion, 2020; Morgan, 2021; da Rocha, 2021; G&aacute;lvez, 2021). In the homozygous state, this variant is not disease-causing. This nucleotide position is well conserved in available vertebrate species with limited sequence alignment. Functional studies suggest reduced expression in a luciferase assay, which is consistent with a hypomorphic effect; however, additional evidence is needed to confirm this finding (Boussion, 2020). Based on the available evidence, this alteration is classified as likely pathogenic.

Women's Health and Genetics/Laboratory Corporation of America, LabCorp
Classification: Likely pathogenic for Radial aplasia-thrombocytopenia syndrome. Last evaluated: 2025-11-26. Review status: criteria provided, single submitter. Criteria: LabCorp Variant Classification Summary - May 2015. Collection method: clinical testing. Allele origin: germline.
Comment: Variant summary: RBM8A c.*6C>G is located in the untranslated mRNA region downstream of the termination codon. The variant allele was found at a frequency of 0.014 in 249874 control chromosomes, predominantly at a frequency of 0.15 within the African or African-American subpopulation in the gnomAD database, including 195 homozygotes. The observed variant frequency and the high number of homozygotes suggests that the variant is benign when found in homozygous state. However, c.*6C>G has been observed in multiple individuals, always in trans with a null allele (particularly a 1q21.1 deletion), who were affected with Radial Aplasia-Thrombocytopenia Syndrome, and the variant has been shown to segregate with disease in related individuals from multiple different families (e.g., Boussion_2020, deRocha_2021, Galvez_2021, Morgan_2020, AlAbdi_2023). These data indicate that the variant is very likely to be associated with disease. A publication reported experimental evidence evaluating the effect of the variant, and demonstrated that the variant resulted in reduced expression (corresponding to ~70 of the WT levels), consistent with a hypomorphic allele (Boussion_2020). The following publications have been ascertained in the context of this evaluation (PMID: 32227665, 33718801, 33559987, 34341987). ClinVar contains an entry for this variant (Variation ID: 95245). Based on the evidence outlined above, the variant was classified as likely pathogenic.

Variantyx, Inc.
Classification: Pathogenic for Radial aplasia-thrombocytopenia syndrome. Last evaluated: 2025-08-26. Review status: criteria provided, single submitter. Criteria: Variantyx Assertion Criteria 2022. Collection method: clinical testing. Allele origin: germline. Inheritance: Autosomal recessive inheritance.
Comment: This is a 3' untranslated region variant in the RBM8A gene (OMIM: 605313). Pathogenic variants in this gene have been associated with autosomal recessive thrombocytopenia-absent radius syndrome. The clinical symptoms reported for this individual are highly specific for autosomal recessive thrombocytopenia-absent radius syndrome, which has a limited genetic etiology (PMID: 20301781) (PP4). Functional studies have shown that this variant alters RBM8A protein function (PMID: 32227665) (PS3_Supporting). This variant has a 14.2360% maximum allele frequency in non-founder control populations. Based on the current evidence, this variant is classified as pathogenic for autosomal recessive thrombocytopenia-absent radius syndrome.

3billion
Classification: Likely pathogenic for Radial aplasia-thrombocytopenia syndrome. Last evaluated: 2025-03-05. Review status: criteria provided, single submitter. Criteria: ACMG Guidelines, 2015. Collection method: clinical testing. Allele origin: germline. Affected: yes.
Comment: The variant is observed in the gnomAD v4.1.0 dataset (total allele frequency: 2.530%). Predicted Consequence/Location: 5' UTR variant Functional studies provide moderate evidence of the variant having a damaging effect on the gene or gene product (PMID: 22366785). The variant has been reported to be in trans with a pathogenic variant as either compound heterozygous or homozygous in at least 4 similarly affected unrelated individuals (PMID: 22366785, 24053387, 24220582, 32227665 /3billion dataset). The variant has been reported to co-segregate with the disease in at least one similarly affected relative/individual in the same family or similarly affected unrelated families (PMID: 27320760). The variant has been reported at least twice as pathogenic with clinical assertions and evidence for the classification (ClinVar ID: VCV000030464 /PMID: 22366785, 24053387, 32227665 /3billion dataset). Therefore, this variant is classified as Pathogenic according to the recommendation of ACMG/AMP guideline.

NM_005105.5(RBM8A):c.*6C>G

Gene: RBM8A (RNA binding motif protein 8A; minus strand). Cytogenetic location: 1q21.1.
Variant type: single nucleotide variant.
Coding change: c.*6C>G on transcript NM_005105.5 (MANE Select); 6 bases downstream of the stop codon, C replaced by G.
Molecular consequence: 3 prime UTR variant.
Genome position (GRCh38, 1-based): chr1:145,925,876, G>C on the plus strand (C>G on the coding strand, the complement: RBM8A is on the minus strand). VCF-style: chr1-145925876-G-C. GRCh37 (hg19) VCF-style: chr1-145509217-C-G.
Other names: p.?; c.*6C>G (NM_005105.4).
Identifiers: ClinVar variation 95245 (VCV000095245.51), dbSNP rs12079762, ClinGen allele CA222836.
Genomic context (GRCh38, chr1:145,925,876, plus strand): 5'-CTATTTGTCCAAGGCTGCATGGTCAAATGGAATCTTGAAGAGAACACCTGGACAACAGAG[G>C]ACCTGTCAGCGACGTCTCCGGTCTGGACTTCTGCTGCGTCTTCGGCCACCTCTAGGGAAA-3'